The following is an entry in ClinVar:

NM_000138.5(FBN1):c.2087G>T (p.Cys696Phe)

Gene: FBN1 (fibrillin 1; minus strand). Cytogenetic location: 15q21.1.
Variant type: single nucleotide variant.
Coding change: c.2087G>T on transcript NM_000138.5 (MANE Select); coding-DNA position 2087, G replaced by T.
Protein change: p.Cys696Phe; replaces cysteine 696 with phenylalanine.
Molecular consequence: missense variant.
Genome position (GRCh38, 1-based): chr15:48,503,813, C>A on the plus strand (G>T on the coding strand, the complement: FBN1 is on the minus strand). VCF-style: chr15-48503813-C-A. GRCh37 (hg19) VCF-style: chr15-48796010-C-A.
Other names: short protein forms C696F.
Identifiers: ClinVar variation 581299 (VCV000581299.1), dbSNP rs1566913685, ClinGen allele CA392338042.

ClinVar aggregate classification (germline): Likely pathogenic (1 of 4 stars; one submission).

Conditions:
Familial thoracic aortic aneurysm and aortic dissection (TAAD). Also called: Thoracic aortic aneurysms and dissections. Identifiers: Orphanet 91387, MedGen C4707243, MONDO:0019625.
Marfan syndrome (MFS). Also called: FBN1-Related Marfan Syndrome; Marfan syndrome type 1; Marfan's syndrome; Marfan syndrome, classic; MARFAN SYNDROME, TYPE I. Identifiers: Orphanet 284963, Orphanet 558, MedGen C0024796, MONDO:0007947, OMIM 154700.

Submission:

Labcorp Genetics (formerly Invitae), Labcorp
Classification: Likely pathogenic for Marfan syndrome; Thoracic aortic aneurysm and aortic dissection. Last evaluated: 2018-03-04. Review status: criteria provided, single submitter. Criteria: Invitae Variant Classification Sherloc (09022015). Collection method: clinical testing. Allele origin: germline.
Comment: This sequence change replaces cysteine with phenylalanine at codon 696 of the FBN1 protein (p.Cys696Phe). The cysteine residue is highly conserved and there is a large physicochemical difference between cysteine and phenylalanine. This variant is not present in population databases (ExAC no frequency). This variant affects a cysteine residue located within a TGFBP domain of the FBN1 protein. Cysteine residues in these domains are believed to be involved in intramolecular disulfide bridges and to be important for FBN1 structure. Although the exact function of the FBN1 TGFBP domains has not been elucidated (PMID: 10930463, 27437668), missense substitutions within the TGFBP domains affecting cysteine residues are significantly overrepresented among patients with Marfan syndrome (PMID: 16571647, 17701892). Algorithms developed to predict the effect of missense changes on protein structure and function do not agree on the potential impact of this missense change (SIFT: "Deleterious"; PolyPhen-2: "Probably Damaging"; Align-GVGD: "Class C0"). In summary, the currently available evidence indicates that the variant is pathogenic, but additional data are needed to prove that conclusively. Therefore, this variant has been classified as Likely Pathogenic.

Literature cited by the submitters: PubMed 17701892; PubMed 10930463; PubMed 16571647; PubMed 27437668.